The following is an entry in ClinVar:

NM_198578.4(LRRK2):c.2428A>G (p.Ile810Val)

Gene: LRRK2 (leucine rich repeat kinase 2; plus strand). Cytogenetic location: 12q12.
Variant type: single nucleotide variant.
Coding change: c.2428A>G on transcript NM_198578.4 (MANE Select); coding-DNA position 2428, A replaced by G.
Protein change: p.Ile810Val; replaces isoleucine 810 with valine.
Molecular consequence: missense variant.
Genome position (GRCh38, 1-based): chr12:40,284,061, A>G. VCF-style: chr12-40284061-A-G. GRCh37 (hg19) VCF-style: chr12-40677863-A-G.
Other names: short protein forms I810V.
Identifiers: ClinVar variation 39150 (VCV000039150.6), dbSNP rs72546337, ClinGen allele CA343511.

ClinVar aggregate classification (germline): Uncertain significance. Review status: criteria provided, multiple submitters, no conflicts (2 of 4 stars). 3 submissions from 3 submitters: Uncertain significance (2). 1 of the submissions does not count toward it. Last evaluated 2026-01-15.

Conditions:
Autosomal dominant Parkinson disease 8. Also called: Parkinson disease 8, susceptibility to; LRRK2-Related Parkinson Disease; Parkinson disease 8. Identifiers: Orphanet 411602, MedGen C1846862, MONDO:0011764, OMIM 607060.

gnomAD v4.1: 4 of 1,613,610 alleles (0.00025%); highest among the groups gnomAD compares: East Asian, 0.0022%; no homozygotes.

Submissions (3):

Dasa
Classification: Uncertain significance. Last evaluated: 2026-01-15. Review status: criteria provided, single submitter. Criteria: DASA Assertion Criteria. Collection method: clinical testing. Allele origin: germline.
Comment: NM_198578.4(LRRK2):c.2428A>G (p.Ile810Val) is a missense variant that results in the substitution of isoleucine with valine. This variant has been reported in individuals with LRRK2-related disorders (PMID: 19357115). Also, this variant is rare in population databases. Computational prediction algorithms are consistent with a benign effect. The currently available literature and clinical evidence are not sufficient to establish a definitive association between this variant and the reported condition. Therefore, this variant is classified as a variant of uncertain significance.

GeneDx
Classification: Uncertain significance. Last evaluated: 2017-03-15. Review status: criteria provided, single submitter. Criteria: GeneDx Variant Classification (06012015). Collection method: clinical testing. Allele origin: germline. Affected: yes.
Comment: The I810V variant in the LRRK2 gene has been reported previously in an individual with Parkinson disease, however, no additional familial segregation or clinical information was provided, and this individual also harbored a heterozygous variant in another gene that may be associated with Parkinson disease susceptibility (Lesage et al., 2009). The I810V variant is not observed in large population cohorts (Lek et al., 2016; 1000 Genomes Consortium et al., 2015; Exome Variant Server). The I810V variant is a conservative amino acid substitution, which is not likely to impact secondary protein structure as these residues share similar properties. This substitution occurs at a position where amino acids with similar properties to Isoleucine are tolerated across species. However, in silico analysis is inconsistent in its predictions as to whether or not the variant is damaging to the protein structure/function. We interpret I810V as a variant of uncertain significance.

GeneReviews
No classification provided. Condition: Autosomal dominant Parkinson disease 8. Review status: no classification provided. Collection method: literature only. Allele origin: unknown. Not counted in ClinVar's aggregate classification.

Literature cited by the submitters: PubMed 19357115 (cited by Dasa); PubMed 20301387 (cited by GeneReviews); NCBI Bookshelf NBK1208 (cited by GeneReviews).